The following is an entry in ClinVar:

ClinVar aggregate classification (germline): Uncertain significance (1 of 4 stars; one submission).

Allele frequency attached by ClinVar (database versions not stated): gnomAD 0.00001; TOPMed 0.00002.

Submission:

Labcorp Genetics (formerly Invitae), Labcorp
Classification: Uncertain significance. Last evaluated: 2022-03-26. Review status: criteria provided, single submitter. Criteria: Invitae Variant Classification Sherloc (09022015). Collection method: clinical testing. Allele origin: germline.
Comment: This sequence change replaces glutamic acid, which is acidic and polar, with lysine, which is basic and polar, at codon 177 of the ARHGEF10 protein (p.Glu177Lys). This variant is present in population databases (no rsID available, gnomAD 0.003%). This variant has not been reported in the literature in individuals affected with ARHGEF10-related conditions. Algorithms developed to predict the effect of missense changes on protein structure and function (SIFT, PolyPhen-2, Align-GVGD) all suggest that this variant is likely to be tolerated. In summary, the available evidence is currently insufficient to determine the role of this variant in disease. Therefore, it has been classified as a Variant of Uncertain Significance.

NM_014629.4(ARHGEF10):c.529G>A (p.Glu177Lys)

Gene: ARHGEF10 (Rho guanine nucleotide exchange factor 10; plus strand). Cytogenetic location: 8p23.3.
Variant type: single nucleotide variant.
Coding change: c.529G>A on transcript NM_014629.4 (MANE Select); coding-DNA position 529, G replaced by A.
Protein change: p.Glu177Lys; replaces glutamic acid 177 with lysine.
Molecular consequence: missense variant.
Genome position (GRCh38, 1-based): chr8:1,864,420, G>A. VCF-style: chr8-1864420-G-A. GRCh37 (hg19) VCF-style: chr8-1812586-G-A.
Other names: c.532G>A, p.Glu178Lys (NM_001308152.2, NM_001308153.3); short protein forms E177K, E178K, E202K.
Identifiers: ClinVar variation 1986684 (VCV001986684.4), dbSNP rs1313394089, ClinGen allele CA369956773.